The following is an entry in ClinVar:

ClinVar aggregate classification (germline): Likely pathogenic. Review status: criteria provided, multiple submitters, no conflicts (2 of 4 stars). 3 submissions from 3 submitters: Likely pathogenic (2). 1 of the submissions does not count toward it. Last evaluated 2025-02-17.

Conditions:
Hypophosphatemic rickets, X-linked recessive (XLHRR). Identifiers: Orphanet 1652, Orphanet 93622, MedGen C1845168, MONDO:0010358, OMIM 300554.
Proteinuria, low molecular weight, with hypercalciuria and nephrocalcinosis. Identifiers: Orphanet 1652, Orphanet 93622, MedGen C1839874, MONDO:0010644, OMIM 308990.
Dent disease type 1 (DENT1). Also called: NEPHROLITHIASIS 2; NEPHROLITHIASIS, HYPERCALCIURIC, X-LINKED. Identifiers: Orphanet 1652, Orphanet 93622, MedGen C1848336, MONDO:0010225, OMIM 300009.
X-linked recessive nephrolithiasis with renal failure (XRN). Also called: UROLITHIASIS, X-LINKED RECESSIVE, TYPE 1; NEPHROLITHIASIS 1; NEPHROLITHIASIS, X-LINKED RECESSIVE, TYPE 1. Identifiers: Orphanet 1652, Orphanet 93622, MedGen C0403720, MONDO:0010687, OMIM 310468.
Nephrotic syndrome. Identifiers: MedGen C0027726, MONDO:0005377, HP:0000100.

Submissions (3):

Labcorp Genetics (formerly Invitae), Labcorp
Classification: Likely pathogenic. Last evaluated: 2025-02-17. Review status: criteria provided, single submitter. Criteria: Invitae Variant Classification Sherloc (09022015). Collection method: clinical testing. Allele origin: germline.
Comment: This sequence change replaces cysteine, which is neutral and slightly polar, with arginine, which is basic and polar, at codon 221 of the CLCN5 protein (p.Cys221Arg). This variant is not present in population databases (gnomAD no frequency). This missense change has been observed in individual(s) with Dent disease (PMID: 15086899, 15895257, 25907713). ClinVar contains an entry for this variant (Variation ID: 988249). Invitae Evidence Modeling of protein sequence and biophysical properties (such as structural, functional, and spatial information, amino acid conservation, physicochemical variation, residue mobility, and thermodynamic stability) indicates that this missense variant is expected to disrupt CLCN5 protein function with a positive predictive value of 80%. Experimental studies have shown that this missense change affects CLCN5 function (PMID: 19657328, 22083641, 23566014). In summary, the currently available evidence indicates that the variant is pathogenic, but additional data are needed to prove that conclusively. Therefore, this variant has been classified as Likely Pathogenic.

Fulgent Genetics
Classification: Likely pathogenic for Dent disease type 1; Hypophosphatemic rickets, X-linked recessive; Proteinuria, low molecular weight, with hypercalciuria and nephrocalcinosis; X-linked recessive nephrolithiasis with renal failure. Last evaluated: 2024-06-11. Review status: criteria provided, single submitter. Criteria: ACMG Guidelines, 2015. Collection method: clinical testing. Allele origin: germline.

Sydney Genome Diagnostics, Children's Hospital Westmead
Classification: Likely pathogenic for Nephrotic syndrome. Last evaluated: 2019-05-28. Review status: no assertion criteria provided. Collection method: clinical testing. Allele origin: unknown. Affected: yes. Observed: 1 variant allele, 1 heterozygote. Not counted in ClinVar's aggregate classification.
Comment: This variant has been reported in an individual with Dent'ss disease (Hoopes et al Kidney Int. 2004 May;65(5):1615-20). Functional studies showed that this variant interferred with channel function and abolished trafficking to the plasma membrane (Ludwig et al Hum Genet. 2005 Jul;117(2-3):228-37). The variant has not been reported in any population databases (i.e. gnomAD, ExAC, ESP or dbSNP). In silico analysis of pathogenicity (through Alamut Visual v2.8.1) using PolyPhen2, SIFT and MutationTaster all suggest that this variant is likely to be pathogenic. However, this analysis alone cannot be used to confirm pathogenicity. This variant is considered to be likely pathogenic according to the ACMG guidelines (Evidence used: PS3, PM2, PP3, PP5).

Literature cited by the submitters: PubMed 15086899 (cited by Labcorp Genetics (formerly Invitae), Labcorp); PubMed 15895257 (cited by Labcorp Genetics (formerly Invitae), Labcorp); PubMed 25907713 (cited by Labcorp Genetics (formerly Invitae), Labcorp); PubMed 19657328 (cited by Labcorp Genetics (formerly Invitae), Labcorp); PubMed 22083641 (cited by Labcorp Genetics (formerly Invitae), Labcorp); PubMed 23566014 (cited by Labcorp Genetics (formerly Invitae), Labcorp).

NM_001127898.4(CLCN5):c.871T>C (p.Cys291Arg)

Gene: CLCN5 (Cl-/H+ antiporter 5; plus strand). Cytogenetic location: Xp11.23.
Variant type: single nucleotide variant.
Coding change: c.871T>C on transcript NM_001127898.4 (MANE Select); coding-DNA position 871, T replaced by C.
Protein change: p.Cys291Arg; replaces cysteine 291 with arginine.
Molecular consequence: missense variant.
Genome position (GRCh38, 1-based): chrX:50,081,785, T>C. VCF-style: chrX-50081785-T-C. GRCh37 (hg19) VCF-style: chrX-49846442-T-C.
Other names: c.661T>C, p.Cys221Arg (NM_000084.5); c.871T>C, p.Cys291Arg (NM_001127899.4); c.721T>C, p.Cys241Arg (NM_001282163.2); short protein forms C221R, C241R, C291R.
Identifiers: ClinVar variation 988249 (VCV000988249.6), dbSNP rs1933713383, ClinGen allele CA413184317.